The following is an entry in ClinVar:

NM_003924.4(PHOX2B):c.549G>A (p.Glu183=)

Gene: PHOX2B (paired like homeobox 2B; minus strand). Cytogenetic location: 4p13.
Variant type: single nucleotide variant.
Coding change: c.549G>A on transcript NM_003924.4 (MANE Select); coding-DNA position 549, G replaced by A.
Protein change: p.Glu183=; no amino-acid change (glutamic acid 183 retained).
Molecular consequence: synonymous variant.
Genome position (GRCh38, 1-based): chr4:41,746,203, C>T on the plus strand (G>A on the coding strand, the complement: PHOX2B is on the minus strand). VCF-style: chr4-41746203-C-T. GRCh37 (hg19) VCF-style: chr4-41748220-C-T.
Other names: c.549G>A (NM_003924.3).
Identifiers: ClinVar variation 1082885 (VCV001082885.18), dbSNP rs770661130, ClinGen allele CA2901480.

ClinVar aggregate classification (germline): Likely benign. Review status: criteria provided, multiple submitters, no conflicts (2 of 4 stars). 3 submissions from 3 submitters: Likely benign (3). Last evaluated 2025-08-01.

Conditions:
Hereditary cancer-predisposing syndrome. Also called: Neoplastic Syndromes, Hereditary; Tumor predisposition; Hereditary neoplastic syndrome; Hereditary Cancer Syndrome. Identifiers: Orphanet 140162, MedGen C0027672, MeSH D009386, MONDO:0015356.
Haddad syndrome (OHD). Also called: Ondine-Hirschsprung disease. Identifiers: Orphanet 99803, MedGen C1859049, MONDO:0020493.

Allele frequency attached by ClinVar (database versions not stated): ExAC 0.00001; gnomAD 0.00001; gnomAD exomes 0.00003.
gnomAD v4.1: 14 of 1,613,752 alleles (0.00087%); highest among the groups gnomAD compares: Non-Finnish European, 0.00017%; no homozygotes.

Submissions (3):

CeGaT Center for Human Genetics Tuebingen
Classification: Likely benign. Last evaluated: 2025-08-01. Review status: criteria provided, single submitter. Criteria: CeGaT Center For Human Genetics Tuebingen Variant Classification Criteria Version 2. Collection method: clinical testing. Allele origin: germline. Affected: yes. Observed: 1 variant allele.
Comment: PHOX2B: BP4, BP7

Ambry Genetics
Classification: Likely benign for Hereditary cancer-predisposing syndrome. Last evaluated: 2023-02-12. Review status: criteria provided, single submitter. Criteria: Ambry Variant Classification Scheme 2023. Collection method: clinical testing. Allele origin: germline.

Labcorp Genetics (formerly Invitae), Labcorp
Classification: Likely benign for Haddad syndrome. Last evaluated: 2022-08-16. Review status: criteria provided, single submitter. Criteria: Invitae Variant Classification Sherloc (09022015). Collection method: clinical testing. Allele origin: germline.